The following is an entry in ClinVar:

ClinVar aggregate classification (germline): Uncertain significance (0 of 4 stars; one submission).

Conditions:
DOCK6-related disorder. Also called: DOCK6-related condition.

Submission:

PreventionGenetics, part of Exact Sciences
Classification: Uncertain significance for DOCK6-related condition. Last evaluated: 2024-04-26. Review status: no assertion criteria provided. Collection method: clinical testing. Allele origin: germline.
Comment: The DOCK6 c.2867G>A variant is predicted to result in the amino acid substitution p.Arg956His. To our knowledge, this variant has not been reported in the literature. This variant is reported in 0.010% of alleles in individuals of Ashkenazi Jewish descent in gnomAD. At this time, the clinical significance of this variant is uncertain due to the absence of conclusive functional and genetic evidence.

NM_020812.4(DOCK6):c.2867G>A (p.Arg956His)

Gene: DOCK6 (dedicator of cytokinesis 6; minus strand). Cytogenetic location: 19p13.2.
Variant type: single nucleotide variant.
Coding change: c.2867G>A on transcript NM_020812.4 (MANE Select); coding-DNA position 2867, G replaced by A.
Protein change: p.Arg956His; replaces arginine 956 with histidine.
Molecular consequence: missense variant.
Genome position (GRCh38, 1-based): chr19:11,227,425, C>T on the plus strand (G>A on the coding strand, the complement: DOCK6 is on the minus strand). VCF-style: chr19-11227425-C-T. GRCh37 (hg19) VCF-style: chr19-11338101-C-T.
Other names: c.2972G>A, p.Arg991His (NM_001367830.1); short protein forms R956H, R991H.
Identifiers: ClinVar variation 3353191 (VCV003353191.1).
Genomic context (GRCh38, chr19:11,227,425, plus strand): 5'-CCCACAGAGCCCACCAAGGCAGTGATGTCGTCCAGGAAGCGTCCGGGGAAGCGCAGCTTG[C>T]GGGGTGTGTCTAGTCGCTGGCCAAGCAGCAGGTGCAGCGCCATACTCTTCACCTGGGGGT-3'
Protein context (NP_065863.2, residues 946-966): LLLGQRLDTP[Arg956His]KLRFPGRFLD